The following is an entry in ClinVar:

ClinVar aggregate classification (germline): Likely pathogenic (1 of 4 stars; one submission).

Conditions:
Gnathodiaphyseal dysplasia (GDD). Also called: GNATHODIAPHYSEAL SCLEROSIS; OSTEOGENESIS IMPERFECTA WITH UNUSUAL SKELETAL LESIONS. Identifiers: Orphanet 53697, MedGen C1833736, MONDO:0008151, OMIM 166260.
Autosomal recessive limb-girdle muscular dystrophy type 2L (LGMDR12). Also called: Limb-girdle muscular dystrophy, type 2L; MUSCULAR DYSTROPHY, LIMB-GIRDLE, AUTOSOMAL RECESSIVE 12; Limb-Girdle Muscular Dystrophy R12 Anoctamin-5-Related (LGMD-R12). Identifiers: Orphanet 206549, MedGen C1969785, MONDO:0012652, OMIM 611307.

Submission:

Labcorp Genetics (formerly Invitae), Labcorp
Classification: Likely pathogenic for Autosomal recessive limb-girdle muscular dystrophy type 2L; Gnathodiaphyseal dysplasia. Last evaluated: 2023-12-11. Review status: criteria provided, single submitter. Criteria: Invitae Variant Classification Sherloc (09022015). Collection method: clinical testing. Allele origin: germline.
Comment: This sequence change affects an acceptor splice site in intron 2 of the ANO5 gene. It is expected to disrupt RNA splicing. Variants that disrupt the donor or acceptor splice site typically lead to a loss of protein function (PMID: 16199547), and loss-of-function variants in ANO5 are known to be pathogenic (PMID: 21186264, 23606453, 25891276, 30919934). This variant is not present in population databases (gnomAD no frequency). This variant has not been reported in the literature in individuals affected with ANO5-related conditions. Algorithms developed to predict the effect of sequence changes on RNA splicing suggest that this variant may disrupt the consensus splice site. In summary, the currently available evidence indicates that the variant is pathogenic, but additional data are needed to prove that conclusively. Therefore, this variant has been classified as Likely Pathogenic.

Literature cited by the submitters: PubMed 16199547; PubMed 21186264; PubMed 23606453; PubMed 25891276; PubMed 30919934.

NM_213599.3(ANO5):c.88-1G>A

Gene: ANO5 (anoctamin 5; plus strand). Cytogenetic location: 11p14.3.
Variant type: single nucleotide variant.
Coding change: c.88-1G>A on transcript NM_213599.3 (MANE Select); the canonical splice acceptor site of the intron before coding-DNA position 88, G replaced by A.
Molecular consequence: splice acceptor variant. On other transcripts: intron variant (2).
Genome position (GRCh38, 1-based): chr11:22,211,263, G>A. VCF-style: chr11-22211263-G-A. GRCh37 (hg19) VCF-style: chr11-22232809-G-A.
Other names: c.88-1G>A (NM_001410963.1); c.88-4G>A (NM_001142649.2, NM_001410964.1).
Identifiers: ClinVar variation 2935816 (VCV002935816.3), dbSNP rs2494790954, ClinGen allele CA379923524.